The following is an entry in ClinVar:

NM_000426.4(LAMA2):c.4294G>T (p.Glu1432Ter)

Gene: LAMA2 (laminin subunit alpha 2; plus strand). Cytogenetic location: 6q22.33.
Variant type: single nucleotide variant.
Coding change: c.4294G>T on transcript NM_000426.4 (MANE Select); coding-DNA position 4294, G replaced by T.
Protein change: p.Glu1432Ter; replaces glutamic acid 1432 with a stop codon.
Molecular consequence: nonsense.
Genome position (GRCh38, 1-based): chr6:129,328,395, G>T. VCF-style: chr6-129328395-G-T. GRCh37 (hg19) VCF-style: chr6-129649540-G-T.
Other names: c.4294G>T, p.Glu1432Ter (NM_001079823.2); short protein forms E1432*.
Identifiers: ClinVar variation 1726193 (VCV001726193.3), dbSNP rs2482476408, ClinGen allele CA365614505.

ClinVar aggregate classification (germline): Likely pathogenic (1 of 4 stars; one submission).

Conditions:
LAMA2-related muscular dystrophy (LAMA2-RD). Also called: Laminin alpha 2-related dystrophy. Identifiers: MedGen C5679788, MONDO:0100228.

Submission:

Myriad Genetics, Inc.
Classification: Likely pathogenic for LAMA2-related muscular dystrophy. Last evaluated: 2022-05-21. Review status: criteria provided, single submitter. Criteria: Myriad Autosomal Dominant, Autosomal Recessive and X-Linked Classification Criteria (2023). Collection method: clinical testing. Allele origin: unknown.
Comment: NM_000426.3(LAMA2):c.4294G>T(E1432*) is expected to be pathogenic in the context of muscular dystrophy, LAMA2-related. This variant is predicted to lead to an abnormal or absent protein product due to the creation of a premature termination codon in LAMA2, a gene where loss-of-function variants are known to be pathogenic. Please note: this variant was assessed in the context of healthy population screening.